The following is an entry in ClinVar:

ClinVar aggregate classification (germline): Uncertain significance (1 of 4 stars; one submission).

Conditions:
Ataxia-telangiectasia syndrome (AT). Also called: Ataxia-telangiectasia, complementation group D; AT, COMPLEMENTATION GROUP C; ATAXIA-TELANGIECTASIA, COMPLEMENTATION GROUP A; ATAXIA-TELANGIECTASIA, FRESNO VARIANT; Ataxia-telangiectasia; Ataxia telangiectasia (A-T). Identifiers: Orphanet 100, MedGen C0004135, MONDO:0008840, OMIM 208900.

Submission:

Labcorp Genetics (formerly Invitae), Labcorp
Classification: Uncertain significance for Ataxia-telangiectasia syndrome. Last evaluated: 2025-06-10. Review status: criteria provided, single submitter. Criteria: Invitae Variant Classification Sherloc (09022015). Collection method: clinical testing. Allele origin: germline.
Comment: This sequence change replaces lysine, which is basic and polar, with threonine, which is neutral and polar, at codon 2655 of the ATM protein (p.Lys2655Thr). This variant is not present in population databases (gnomAD no frequency). This variant has not been reported in the literature in individuals affected with ATM-related conditions. ClinVar contains an entry for this variant (Variation ID: 1000182). Invitae Evidence Modeling of protein sequence and biophysical properties (such as structural, functional, and spatial information, amino acid conservation, physicochemical variation, residue mobility, and thermodynamic stability) has been performed for this missense variant. However, the output from this modeling did not meet the statistical confidence thresholds required to predict the impact of this variant on ATM protein function. In summary, the available evidence is currently insufficient to determine the role of this variant in disease. Therefore, it has been classified as a Variant of Uncertain Significance.

NM_000051.4(ATM):c.7964A>C (p.Lys2655Thr)

Genes: C11orf65 (chromosome 11 open reading frame 65; minus strand), ATM (ATM serine/threonine kinase; plus strand). Cytogenetic location: 11q22.3.
Variant type: single nucleotide variant.
Coding change: c.7964A>C on transcript NM_000051.4 (MANE Select); coding-DNA position 7964, A replaced by C.
Protein change: p.Lys2655Thr; replaces lysine 2655 with threonine.
Molecular consequence: missense variant. On other transcripts: intron variant (2).
Genome position (GRCh38, 1-based): chr11:108,333,922, A>C. VCF-style: chr11-108333922-A-C. GRCh37 (hg19) VCF-style: chr11-108204649-A-C.
Other names: c.7964A>C, p.Lys2655Thr (NM_001351834.2); c.641-24851T>G (NM_001330368.2); c.*38+1298T>G (NM_001351110.2); short protein forms K2655T.
Identifiers: ClinVar variation 1000182 (VCV001000182.47), dbSNP rs2086549249, ClinGen allele CA382561720.
Genomic context (GRCh38, chr11:108,333,922, plus strand): 5'-AAATCTCTTCATTTTTAAATACAGAAGGCATAAATATTCCAGCAGACCAGCCAATTACTA[A>C]ACTTAAGAATTTAGAAGATGTTGTTGTCCCTACTATGGAAATTAAGGTAATTTGCAATTA-3'
Protein context (NP_000042.3, residues 2645-2665): INIPADQPIT[Lys2655Thr]LKNLEDVVVP